The following is an entry in ClinVar:

NM_001046.3(SLC12A2):c.3439T>C (p.Tyr1147His)

Gene: SLC12A2 (solute carrier family 12 member 2; plus strand). Cytogenetic location: 5q23.3.
Variant type: single nucleotide variant.
Coding change: c.3439T>C on transcript NM_001046.3 (MANE Select); coding-DNA position 3439, T replaced by C.
Protein change: p.Tyr1147His; replaces tyrosine 1147 with histidine.
Molecular consequence: missense variant. On other transcripts: non-coding transcript variant (1).
Genome position (GRCh38, 1-based): chr5:128,184,792, T>C. VCF-style: chr5-128184792-T-C. GRCh37 (hg19) VCF-style: chr5-127520484-T-C.
Other names: c.3391T>C, p.Tyr1131His (NM_001256461.2); short protein forms Y1147H, Y1131H.
Identifiers: ClinVar variation 3693785 (VCV003693785.2).

ClinVar aggregate classification (germline): Uncertain significance (1 of 4 stars; one submission).

Submission:

Labcorp Genetics (formerly Invitae), Labcorp
Classification: Uncertain significance. Last evaluated: 2024-04-09. Review status: criteria provided, single submitter. Criteria: Invitae Variant Classification Sherloc (09022015). Collection method: clinical testing. Allele origin: germline.
Comment: This sequence change replaces tyrosine, which is neutral and polar, with histidine, which is basic and polar, at codon 1147 of the SLC12A2 protein (p.Tyr1147His). This variant is not present in population databases (gnomAD no frequency). This variant has not been reported in the literature in individuals affected with SLC12A2-related conditions. Advanced modeling of protein sequence and biophysical properties (such as structural, functional, and spatial information, amino acid conservation, physicochemical variation, residue mobility, and thermodynamic stability) performed at Invitae indicates that this missense variant is not expected to disrupt SLC12A2 protein function with a negative predictive value of 80%. In summary, the available evidence is currently insufficient to determine the role of this variant in disease. Therefore, it has been classified as a Variant of Uncertain Significance.